The following is an entry in ClinVar:

ClinVar aggregate classification (germline): Likely benign (1 of 4 stars; one submission).

Conditions:
TAMM41-related condition.

gnomAD v4.1: 307 of 1,614,186 alleles (0.019%); highest among the groups gnomAD compares: African/African-American, 0.36%; 1 homozygote.

Submission:

PreventionGenetics, part of Exact Sciences
Classification: Likely benign for TAMM41-related condition. Last evaluated: 2025-11-20. Review status: criteria provided, single submitter. Criteria: ACMG Guidelines, 2015. Collection method: clinical testing. Allele origin: germline.
Comment: This variant is classified as likely benign based on ACMG/AMP sequence variant interpretation guidelines (Richards et al. 2015 PMID: 25741868, with internal and published modifications).

NM_001284401.2(TAMM41):c.451T>C (p.Ser151Pro)

Gene: TAMM41 (TAM41 mitochondrial translocator assembly and maintenance homolog). Cytogenetic location: 3p25.2.
Variant type: single nucleotide variant.
Coding change: c.451T>C on transcript NM_001284401.2 (MANE Select); coding-DNA position 451, T replaced by C.
Protein change: p.Ser151Pro; replaces serine 151 with proline.
Molecular consequence: missense variant. On other transcripts: 5 prime UTR variant (1), non-coding transcript variant (10).
Genome position (GRCh38, 1-based): chr3:11,829,825, A>G on the plus strand (T>C on the coding strand, the complement: TAMM41 is on the minus strand). VCF-style: chr3-11829825-A-G. GRCh37 (hg19) VCF-style: chr3-11871299-A-G.
Other names: c.328T>C, p.Ser110Pro (NM_001321294.2); c.-48T>C (NM_001321295.2); c.451T>C, p.Ser151Pro (NM_001366031.2, NM_001394474.1, NM_138807.4); short protein forms S110P, S151P.
Identifiers: ClinVar variation 4986607 (VCV004986607.1).
Genomic context (GRCh38, chr3:11,829,825, plus strand): 5'-TTTCGGGGAGCATGAGGAAAGCAGCGGTCACAGCACTCTTCAGATTTCTATCGAGGGCTG[A>G]TCTAAGAGTGACATCCTCGTTCACTGAGATAATTTTCACCTGAAAGAAGCAGAACATTGG-3'
Protein context (NP_001271330.1, residues 141-161): ISVNEDVTLR[Ser151Pro]ALDRNLKSAV